The following is an entry in ClinVar:

ClinVar aggregate classification (germline): Pathogenic (1 of 4 stars; one submission).

Conditions:
Benign neonatal seizures. Also called: Benign neonatal familial convulsions; Benign familial neonatal epilepsy; Convulsions benign familial neonatal dominant form; Autosomal dominant form of benign neonatal seizures; Benign familial neonatal seizures. Identifiers: Orphanet 1949, MedGen C0220669, MONDO:0016027.

Allele frequency attached by ClinVar (database versions not stated): gnomAD exomes below 0.00001; TOPMed below 0.00001; gnomAD 0.00001.

Submission:

Labcorp Genetics (formerly Invitae), Labcorp
Classification: Pathogenic for Benign neonatal seizures. Last evaluated: 2019-04-23. Review status: criteria provided, single submitter. Criteria: Invitae Variant Classification Sherloc (09022015). Collection method: clinical testing. Allele origin: germline.
Comment: For these reasons, this variant has been classified as Pathogenic. Loss-of-function variants in KCNQ3 are known to be pathogenic (PMID: 29383681, 29852413). This variant has not been reported in the literature in individuals with KCNQ3-related conditions. This variant is not present in population databases (ExAC no frequency). This sequence change creates a premature translational stop signal (p.Gly575Aspfs*31) in the KCNQ3 gene. It is expected to result in an absent or disrupted protein product.

Literature cited by the submitters: PubMed 29383681; PubMed 29852413.

NM_004519.4(KCNQ3):c.1722del (p.Gly575fs)

Gene: KCNQ3 (potassium voltage-gated channel subfamily Q member 3; minus strand). Cytogenetic location: 8q24.22.
Variant type: Deletion.
Coding change: c.1722del on transcript NM_004519.4 (MANE Select); coding-DNA position 1722, one base deleted (T; older notation c.1722delT).
Protein change: p.Gly575fs; shifts the reading frame from glycine 575.
Molecular consequence: frameshift variant.
Genome position (GRCh38, 1-based): chr8:132,134,367, A deleted on the plus strand (T on the coding strand, the reverse complement: KCNQ3 is on the minus strand). VCF-style (leftmost placement, unchanged base first): chr8-132134366-CA-C. GRCh37 (hg19) VCF-style: chr8-133146613-CA-C.
Other names: c.1362del, p.Gly455fs (NM_001204824.2); short protein forms G575fs, G455fs.
Identifiers: ClinVar variation 841488 (VCV000841488.7), dbSNP rs1563764788, ClinGen allele CA584904743.